The following is an entry in ClinVar:

NM_001851.6(COL9A1):c.621G>A (p.Lys207=)

Gene: COL9A1 (collagen type IX alpha 1 chain; minus strand). Cytogenetic location: 6q13.
Variant type: single nucleotide variant.
Coding change: c.621G>A on transcript NM_001851.6 (MANE Select); coding-DNA position 621, G replaced by A.
Protein change: p.Lys207=; no amino-acid change (lysine 207 retained).
Molecular consequence: synonymous variant.
Genome position (GRCh38, 1-based): chr6:70,294,242, C>T on the plus strand (G>A on the coding strand, the complement: COL9A1 is on the minus strand). VCF-style: chr6-70294242-C-T. GRCh37 (hg19) VCF-style: chr6-71003945-C-T.
Other names: c.621G>A, p.Lys207= (NM_001377291.1); c.621G>A (NM_001851.4).
Identifiers: ClinVar variation 1103463 (VCV001103463.12), dbSNP rs374217818, ClinGen allele CA3882767.
Genomic context (GRCh38, chr6:70,294,242, plus strand): 5'-AGGATTATCTGCAAGTTTTCCCAGCACAGCAAAGCCATCAATGTCAATTGGGCCTCTTGG[C>T]TTTATAGGTAAAGATTCAATCCTGTTGCAGTCAACAAAAAGAGTAGCACTACTCCTCTCC-3'
Protein context (NP_001842.3, residues 197-217): DCNRIESLPI[Lys207=]PRGPIDIDGF

ClinVar aggregate classification (germline): Likely benign. Review status: criteria provided, multiple submitters, no conflicts (2 of 4 stars). 3 submissions from 3 submitters: Likely benign (2). 1 of the submissions does not count toward it. Last evaluated 2025-10-30.

Conditions:
COL9A1-related disorder. Also called: COL9A1-related condition; COL9A1-related disorders.

Allele frequency attached by ClinVar (database versions not stated): gnomAD exomes below 0.00001 and 0.00001; ExAC 0.00001; gnomAD 0.00001; TOPMed 0.00002; ESP Exome Variant Server 0.00008.
gnomAD v4.1: 14 of 1,613,930 alleles (0.00087%); highest among the groups gnomAD compares: African/African-American, 0.0027%; no homozygotes.

Submissions (3):

Labcorp Genetics (formerly Invitae), Labcorp
Classification: Likely benign. Last evaluated: 2025-10-30. Review status: criteria provided, single submitter. Criteria: Invitae Variant Classification Sherloc (09022015). Collection method: clinical testing. Allele origin: germline.

Blueprint Genetics
Classification: Likely benign. Last evaluated: 2019-10-25. Review status: criteria provided, single submitter. Criteria: ACMG Guidelines, 2015. Collection method: clinical testing. Allele origin: germline.

PreventionGenetics, part of Exact Sciences
Classification: Likely benign for COL9A1-related condition. Last evaluated: 2021-04-07. Review status: no assertion criteria provided. Collection method: clinical testing. Allele origin: germline. Not counted in ClinVar's aggregate classification.
Comment: This variant is classified as likely benign based on ACMG/AMP sequence variant interpretation guidelines (Richards et al. 2015 PMID: 25741868, with internal and published modifications).